The following is an entry in ClinVar:

ClinVar aggregate classification (germline): Pathogenic/Likely pathogenic. Review status: criteria provided, multiple submitters, no conflicts (2 of 4 stars). 4 submissions from 4 submitters: Pathogenic (2); Likely pathogenic (1). 1 of the submissions does not count toward it. Last evaluated 2024-02-23.

Conditions:
Cardiovascular phenotype. Identifiers: MedGen CN230736.
Familial long QT syndrome (RWS). Also called: Congenital long QT syndrome; Romano-Ward syndrome; VENTRICULAR FIBRILLATION WITH PROLONGED QT INTERVAL. Identifiers: Orphanet 768, MedGen C1141890, MONDO:0019171.
Long QT syndrome (LQTS). Identifiers: MedGen C0023976, MeSH D008133, MONDO:0002442. Disease mechanism: loss of function. Inheritance: Various modes of inheritance.

Submissions (4):

Labcorp Genetics (formerly Invitae), Labcorp
Classification: Pathogenic for Long QT syndrome. Last evaluated: 2024-02-23. Review status: criteria provided, single submitter. Criteria: Invitae Variant Classification Sherloc (09022015). Collection method: clinical testing. Allele origin: germline.
Comment: This sequence change replaces proline, which is neutral and non-polar, with leucine, which is neutral and non-polar, at codon 72 of the KCNH2 protein (p.Pro72Leu). This variant is not present in population databases (gnomAD no frequency). This missense change has been observed in individuals with long QT syndrome (PMID: 19716085; Invitae). ClinVar contains an entry for this variant (Variation ID: 67370). An algorithm developed to predict the effect of missense changes on protein structure and function (PolyPhen-2) suggests that this variant is likely to be disruptive. Experimental studies have shown that this missense change affects KCNH2 function (PMID: 25417810, 32475984). This variant disrupts the p.Pro72 amino acid residue in KCNH2. Other variant(s) that disrupt this residue have been determined to be pathogenic (PMID: 10973849, 25417810; Invitae). This suggests that this residue is clinically significant, and that variants that disrupt this residue are likely to be disease-causing. For these reasons, this variant has been classified as Pathogenic.

GeneDx
Classification: Pathogenic. Last evaluated: 2019-07-03. Review status: criteria provided, single submitter. Criteria: GeneDx Variant Classification Process June 2021. Collection method: clinical testing. Allele origin: germline. Affected: yes.
Comment: Not observed in large population cohorts (Lek et al., 2016); Published functional studies demonstrate deficient protein trafficking (Anderson et al., 2014); Different missense variants in the same residue (P72Q, P72T, P72R) have been reported in the Human Gene Mutation Database in association with LQTS (Stenson et al., 2014); In silico analysis, which includes protein predictors and evolutionary conservation, supports a deleterious effect; This variant is associated with the following publications: (PMID: 19716085, 25417810, 32475984)

Ambry Genetics
Classification: Likely pathogenic for Cardiovascular phenotype. Last evaluated: 2018-08-14. Review status: criteria provided, single submitter. Criteria: Ambry Variant Classification Scheme 2023. Collection method: clinical testing. Allele origin: germline.
Comment: The p.P72L variant (also known as c.215C>T), located in coding exon 2 of the KCNH2 gene, results from a C to T substitution at nucleotide position 215. The proline at codon 72 is replaced by leucine, an amino acid with similar properties. This alteration has been reported in several individuals with long QT syndrome (Kapplinger JD et al. Heart Rhythm. 2009;6:1297-303; Migdalovich D et al. Heart Rhythm. 2011;8:1537-43; Itoh H et al. Eur. J. Hum. Genet. 2016;24:1160-6; GeneDx pers. comm.). Functional studies have demonstrated that this alteration causes a trafficking defect in mammalian cells (Anderson CL et al. Nat Commun. 2014;5:5535; Perry MD et al. J. Physiol. (Lond.). 2016;594:4031-49). Two likely pathogenic variants, p.P72Q and p.P72R, have been described in the same codon (Splawski I et al. Circulation. 2000;102:1178-85; Crotti L et al. Hum. Genet. 2008;123:537-55). This amino acid position is well conserved in available vertebrate species; however, leucine is the reference amino acid in other vertebrate species. In addition, this alteration is predicted to be deleterious by in silico analysis. Based on the majority of available evidence to date, this variant is likely to be pathogenic.

Cardiovascular Biomedical Research Unit, Royal Brompton & Harefield NHS Foundation Trust
No classification provided. Condition: Familial long QT syndrome. Review status: no classification provided. Collection method: literature only. Allele origin: germline. Not counted in ClinVar's aggregate classification.
Comment: This variant has been reported as associated with Long QT syndrome in the following publications (PMID:19716085). This is a literature report, and does not necessarily reflect the clinical interpretation of the Imperial College / Royal Brompton Cardiovascular Genetics laboratory.

Literature cited by the submitters: PubMed 19716085 (cited by 3 submitters); PubMed 25417810 (cited by Labcorp Genetics (formerly Invitae), Labcorp and Ambry Genetics); PubMed 32475984 (cited by Labcorp Genetics (formerly Invitae), Labcorp); PubMed 10973849 (cited by Labcorp Genetics (formerly Invitae), Labcorp); PubMed 21440677 (cited by Ambry Genetics); PubMed 26669661 (cited by Ambry Genetics); PubMed 26958806 (cited by Ambry Genetics); PubMed 22581653 (cited by Cardiovascular Biomedical Research Unit, Royal Brompton & Harefield NHS Foundation Trust).

NM_000238.4(KCNH2):c.215C>T (p.Pro72Leu)

Gene: KCNH2 (potassium voltage-gated channel subfamily H member 2; minus strand). Cytogenetic location: 7q36.1.
Variant type: single nucleotide variant.
Coding change: c.215C>T on transcript NM_000238.4 (MANE Select); coding-DNA position 215, C replaced by T.
Protein change: p.Pro72Leu; replaces proline 72 with leucine.
Molecular consequence: missense variant.
Genome position (GRCh38, 1-based): chr7:150,974,803, G>A on the plus strand (C>T on the coding strand, the complement: KCNH2 is on the minus strand). VCF-style: chr7-150974803-G-A. GRCh37 (hg19) VCF-style: chr7-150671891-G-A.
Other names: p.P72L:CCG>CTG; c.215C>T (LRG_288t1); c.38C>T, p.Pro13Leu (NM_001406755.1); c.215C>T, p.Pro72Leu (NM_172056.3); short protein forms P72L, P13L.
Identifiers: ClinVar variation 67370 (VCV000067370.11), dbSNP rs199473421, ClinGen allele CA006305.